The following is an entry in ClinVar:

NM_000322.5(PRPH2):c.303C>A (p.Tyr101Ter)

Gene: PRPH2 (peripherin 2; minus strand). Cytogenetic location: 6p21.1.
Variant type: single nucleotide variant.
Coding change: c.303C>A on transcript NM_000322.5 (MANE Select); coding-DNA position 303, C replaced by A.
Protein change: p.Tyr101Ter; replaces tyrosine 101 with a stop codon.
Molecular consequence: nonsense.
Genome position (GRCh38, 1-based): chr6:42,722,032, G>T on the plus strand (C>A on the coding strand, the complement: PRPH2 is on the minus strand). VCF-style: chr6-42722032-G-T. GRCh37 (hg19) VCF-style: chr6-42689770-G-T.
Other names: short protein forms Y101*.
Identifiers: ClinVar variation 2130195 (VCV002130195.4), dbSNP rs61755776, ClinGen allele CA364137922.

ClinVar aggregate classification (germline): Pathogenic (1 of 4 stars; one submission).

Conditions:
PRPH2-related disorder. Also called: PRPH2-related condition; PRPH2-related disorders. Identifiers: MedGen CN239395.

Submission:

Labcorp Genetics (formerly Invitae), Labcorp
Classification: Pathogenic for PRPH2-related disorder. Last evaluated: 2022-11-22. Review status: criteria provided, single submitter. Criteria: Invitae Variant Classification Sherloc (09022015). Collection method: clinical testing. Allele origin: germline.
Comment: This premature translational stop signal has been observed in individual(s) with autosomal dominant retinitis pigmentosa (PMID: 32531846). For these reasons, this variant has been classified as Pathogenic. This variant is not present in population databases (gnomAD no frequency). This sequence change creates a premature translational stop signal (p.Tyr101*) in the PRPH2 gene. It is expected to result in an absent or disrupted protein product. Loss-of-function variants in PRPH2 are known to be pathogenic (PMID: 8111389, 8485575, 8485576, 8675410, 16916875, 17504850, 22863181, 25675413, 26061163, 27365499, 29555955, 33546218).

Literature cited by the submitters: PubMed 32531846; PubMed 8111389; PubMed 8485575; PubMed 8485576; PubMed 8675410; PubMed 16916875; PubMed 17504850; PubMed 22863181; PubMed 25675413; PubMed 26061163; PubMed 27365499; PubMed 29555955; PubMed 33546218.